The following is an entry in ClinVar:

ClinVar aggregate classification (germline): Conflicting classifications of pathogenicity. Review status: criteria provided, conflicting classifications (1 of 4 stars). 7 submissions from 7 submitters: Uncertain significance (5); Benign (1). 1 of the submissions does not count toward it. Last evaluated 2026-01-20.

Conditions:
Inborn genetic diseases. Identifiers: MedGen C0950123, MeSH D030342.
Nemaline myopathy 2 (NEM2). Also called: Nemaline myopathy 2, autosomal recessive. Identifiers: MedGen C1850569, MONDO:0009725, OMIM 256030.

Allele frequency attached by ClinVar (database versions not stated): ESP Exome Variant Server 0.00008; gnomAD 0.00022; TOPMed 0.00037; 1000 Genomes Project 0.00060; 1000 Genomes Project 30x 0.00062.
gnomAD v4.1: 213 of 1,613,882 alleles (0.013%); highest among the groups gnomAD compares: East Asian, 0.13%; no homozygotes.

Submissions (7):

Labcorp Genetics (formerly Invitae), Labcorp
Classification: Benign for Nemaline myopathy 2. Last evaluated: 2026-01-20. Review status: criteria provided, single submitter. Criteria: Invitae Variant Classification Sherloc (09022015). Collection method: clinical testing. Allele origin: germline.

GeneDx
Classification: Uncertain significance. Last evaluated: 2025-10-22. Review status: criteria provided, single submitter. Criteria: GeneDx Variant Classification Process June 2021. Collection method: clinical testing. Allele origin: germline. Affected: yes.
Comment: In silico analysis suggests that this missense variant does not alter protein structure/function; Has not been previously published as pathogenic or benign to our knowledge

Ambry Genetics
Classification: Uncertain significance for Inborn genetic diseases. Last evaluated: 2025-06-26. Review status: criteria provided, single submitter. Criteria: Ambry Variant Classification Scheme 2023. Collection method: clinical testing. Allele origin: germline.

Blueprint Genetics
Classification: Uncertain significance. Last evaluated: 2024-11-04. Review status: criteria provided, single submitter. Criteria: ACMG Guidelines, 2015. Collection method: clinical testing. Allele origin: germline.

Revvity Omics, Revvity
Classification: Uncertain significance. Last evaluated: 2019-04-29. Review status: criteria provided, single submitter. Criteria: ACMG Guidelines, 2015. Collection method: clinical testing. Allele origin: germline.

Illumina Laboratory Services, Illumina
Classification: Uncertain significance for Nemaline myopathy 2. Last evaluated: 2018-01-12. Review status: criteria provided, single submitter. Criteria: ICSL Variant Classification Criteria 13 December 2019. Collection method: clinical testing. Allele origin: germline.

Natera, Inc.
Classification: Uncertain significance for Nemaline myopathy type 2. Last evaluated: 2020-01-17. Review status: no assertion criteria provided. Collection method: clinical testing. Allele origin: germline. Not counted in ClinVar's aggregate classification.

NM_001164508.2(NEB):c.3443C>T (p.Ala1148Val)

Gene: NEB (nebulin; minus strand). Cytogenetic location: 2q23.3.
Variant type: single nucleotide variant.
Coding change: c.3443C>T on transcript NM_001164508.2 (MANE Select); coding-DNA position 3443, C replaced by T.
Protein change: p.Ala1148Val; replaces alanine 1148 with valine.
Molecular consequence: missense variant.
Genome position (GRCh38, 1-based): chr2:151,678,000, G>A on the plus strand (C>T on the coding strand, the complement: NEB is on the minus strand). VCF-style: chr2-151678000-G-A. GRCh37 (hg19) VCF-style: chr2-152534514-G-A.
Other names: c.3443C>T, p.Ala1148Val (NM_001164507.2, NM_001271208.2, NM_004543.5); short protein forms A1148V.
Identifiers: ClinVar variation 331519 (VCV000331519.22), dbSNP rs200637566, ClinGen allele CA1910905.